The following is an entry in ClinVar:

ClinVar aggregate classification (germline): Uncertain significance. Review status: criteria provided, multiple submitters, no conflicts (2 of 4 stars). 2 submissions from 2 submitters: Uncertain significance (2). Last evaluated 2024-12-11.

Conditions:
Epileptic encephalopathy. Identifiers: MedGen C0543888, HP:0200134.

Allele frequency attached by ClinVar (database versions not stated): gnomAD 0.00001 and 0.00003.
gnomAD v4.1: 28 of 1,595,868 alleles (0.0018%); highest among the groups gnomAD compares: East Asian, 0.0023%; no homozygotes.

Submissions (2):

Ambry Genetics
Classification: Uncertain significance. Last evaluated: 2024-12-11. Review status: criteria provided, single submitter. Criteria: Ambry Variant Classification Scheme 2023. Collection method: clinical testing. Allele origin: germline.

Labcorp Genetics (formerly Invitae), Labcorp
Classification: Uncertain significance for Epileptic encephalopathy. Last evaluated: 2021-08-28. Review status: criteria provided, single submitter. Criteria: Invitae Variant Classification Sherloc (09022015). Collection method: clinical testing. Allele origin: germline.
Comment: This sequence change replaces isoleucine with valine at codon 152 of the RYR3 protein (p.Ile152Val). The isoleucine residue is highly conserved and there is a small physicochemical difference between isoleucine and valine. This variant is present in population databases (rs780128168, ExAC 0.004%). This variant has not been reported in the literature in individuals affected with RYR3-related conditions. Algorithms developed to predict the effect of missense changes on protein structure and function are either unavailable or do not agree on the potential impact of this missense change (SIFT: "Deleterious"; PolyPhen-2: "Benign"; Align-GVGD: "Class C0"). In summary, the available evidence is currently insufficient to determine the role of this variant in disease. Therefore, it has been classified as a Variant of Uncertain Significance.

NM_001036.6(RYR3):c.454A>G (p.Ile152Val)

Gene: RYR3 (ryanodine receptor 3; plus strand). Cytogenetic location: 15q14.
Variant type: single nucleotide variant.
Coding change: c.454A>G on transcript NM_001036.6 (MANE Select); coding-DNA position 454, A replaced by G.
Protein change: p.Ile152Val; replaces isoleucine 152 with valine.
Molecular consequence: missense variant.
Genome position (GRCh38, 1-based): chr15:33,539,370, A>G. VCF-style: chr15-33539370-A-G. GRCh37 (hg19) VCF-style: chr15-33831571-A-G.
Other names: c.454A>G, p.Ile152Val (NM_001243996.4); c.454A>G (NM_001036.3); short protein forms I152V.
Identifiers: ClinVar variation 1055970 (VCV001055970.7), dbSNP rs780128168, ClinGen allele CA7457824.